The following is an entry in ClinVar:

NM_033305.3(VPS13A):c.8325+1G>A

Gene: VPS13A (vacuolar protein sorting 13 homolog A; plus strand). Cytogenetic location: 9q21.2.
Variant type: single nucleotide variant.
Coding change: c.8325+1G>A on transcript NM_033305.3 (MANE Select); the canonical splice donor site of the intron after coding-DNA position 8325, G replaced by A.
Molecular consequence: splice donor variant.
Genome position (GRCh38, 1-based): chr9:77,365,574, G>A. VCF-style: chr9-77365574-G-A. GRCh37 (hg19) VCF-style: chr9-79980490-G-A.
Other names: c.8208+1G>A (NM_001018037.2); c.8325+1G>A (NM_015186.4, NM_001018038.3).
Identifiers: ClinVar variation 1347984 (VCV001347984.12), dbSNP rs1459022689, ClinGen allele CA373862896.

ClinVar aggregate classification (germline): Conflicting classifications of pathogenicity. Review status: criteria provided, conflicting classifications (1 of 4 stars). 3 submissions from 3 submitters: Likely pathogenic (2); Uncertain significance (1). Last evaluated 2025-12-01.

Conditions:
VPS13A-related neurodegenerative disease. Also called: ACANTHOCYTOSIS WITH NEUROLOGIC DISORDER; Chorea-acanthocytosis; Choreaacanthocytosis; LEVINE-CRITCHLEY SYNDROME; VPS13A Disease; Choreoacanthocytosis. Identifiers: Orphanet 2388, MedGen C0393576, MONDO:0008695, OMIM 200150.

Allele frequency attached by ClinVar (database versions not stated): gnomAD 0.00001; gnomAD exomes 0.00001.
gnomAD v4.1: 9 of 1,560,950 alleles (0.00058%); highest among the groups gnomAD compares: South Asian, 0.0078%; no homozygotes.

Submissions (3):

CeGaT Center for Human Genetics Tuebingen
Classification: Uncertain significance. Last evaluated: 2025-12-01. Review status: criteria provided, single submitter. Criteria: CeGaT Center For Human Genetics Tuebingen Variant Classification Criteria Version 2. Collection method: clinical testing. Allele origin: germline. Affected: yes. Observed: 1 variant allele.
Comment: VPS13A: PM2, PVS1:Moderate, PM3:Supporting

Labcorp Genetics (formerly Invitae), Labcorp
Classification: Likely pathogenic. Last evaluated: 2024-02-16. Review status: criteria provided, single submitter. Criteria: Invitae Variant Classification Sherloc (09022015). Collection method: clinical testing. Allele origin: germline.
Comment: This sequence change affects a donor splice site in intron 60 of the VPS13A gene. It is expected to disrupt RNA splicing. Variants that disrupt the donor or acceptor splice site typically lead to a loss of protein function (PMID: 16199547), and loss-of-function variants in VPS13A are known to be pathogenic (PMID: 12404112, 21598378). This variant is present in population databases (no rsID available, gnomAD 0.003%). This variant has not been reported in the literature in individuals affected with VPS13A-related conditions. ClinVar contains an entry for this variant (Variation ID: 1347984). Algorithms developed to predict the effect of sequence changes on RNA splicing suggest that this variant may disrupt the consensus splice site. In summary, the currently available evidence indicates that the variant is pathogenic, but additional data are needed to prove that conclusively. Therefore, this variant has been classified as Likely Pathogenic.

Fulgent Genetics
Classification: Likely pathogenic for VPS13A-related neurodegenerative disease. Last evaluated: 2022-05-06. Review status: criteria provided, single submitter. Criteria: ACMG Guidelines, 2015. Collection method: clinical testing. Allele origin: unknown.

Literature cited by the submitters: PubMed 16199547 (cited by Labcorp Genetics (formerly Invitae), Labcorp); PubMed 12404112 (cited by Labcorp Genetics (formerly Invitae), Labcorp); PubMed 21598378 (cited by Labcorp Genetics (formerly Invitae), Labcorp).